The following is an entry in ClinVar:

NM_031844.3(HNRNPU):c.1324C>T (p.Arg442Trp)

Gene: HNRNPU (heterogeneous nuclear ribonucleoprotein U; minus strand). Cytogenetic location: 1q44.
Variant type: single nucleotide variant.
Coding change: c.1324C>T on transcript NM_031844.3 (MANE Select); coding-DNA position 1324, C replaced by T.
Protein change: p.Arg442Trp; replaces arginine 442 with tryptophan.
Molecular consequence: missense variant.
Genome position (GRCh38, 1-based): chr1:244,858,181, G>A on the plus strand (C>T on the coding strand, the complement: HNRNPU is on the minus strand). VCF-style: chr1-244858181-G-A. GRCh37 (hg19) VCF-style: chr1-245021483-G-A.
Other names: c.1267C>T, p.Arg423Trp (NM_004501.3); short protein forms R442W, R423W.
Identifiers: ClinVar variation 1039841 (VCV001039841.9), dbSNP rs1240447811, ClinGen allele CA345491886.

ClinVar aggregate classification (germline): Uncertain significance (1 of 4 stars; one submission).

Conditions:
Developmental and epileptic encephalopathy, 54. Also called: HNRNPU-Related Neurodevelopmental Disorder; Epileptic encephalopathy, early infantile, 54. Identifiers: MedGen C4479319, MONDO:0033363, OMIM 617391.

Allele frequency attached by ClinVar (database versions not stated): gnomAD 0.00001; gnomAD exomes 0.00001; TOPMed 0.00001.
gnomAD v4.1: 15 of 1,613,940 alleles (0.00093%); highest among the groups gnomAD compares: Middle Eastern, 0.033%; no homozygotes.

Submission:

Labcorp Genetics (formerly Invitae), Labcorp
Classification: Uncertain significance for Developmental and epileptic encephalopathy, 54. Last evaluated: 2023-05-17. Review status: criteria provided, single submitter. Criteria: Invitae Variant Classification Sherloc (09022015). Collection method: clinical testing. Allele origin: germline.
Comment: In summary, the available evidence is currently insufficient to determine the role of this variant in disease. Therefore, it has been classified as a Variant of Uncertain Significance. Advanced modeling of protein sequence and biophysical properties (such as structural, functional, and spatial information, amino acid conservation, physicochemical variation, residue mobility, and thermodynamic stability) performed at Invitae indicates that this missense variant is expected to disrupt HNRNPU protein function. ClinVar contains an entry for this variant (Variation ID: 1039841). This variant has not been reported in the literature in individuals affected with HNRNPU-related conditions. This variant is present in population databases (no rsID available, gnomAD 0.009%). This sequence change replaces arginine, which is basic and polar, with tryptophan, which is neutral and slightly polar, at codon 442 of the HNRNPU protein (p.Arg442Trp).